The following is an entry in ClinVar:

ClinVar aggregate classification (germline): Likely benign (1 of 4 stars; one submission).

gnomAD v4.1: 109 of 1,612,238 alleles (0.0068%); highest among the groups gnomAD compares: South Asian, 0.11%; 2 homozygotes.

Submission:

CeGaT Center for Human Genetics Tuebingen
Classification: Likely benign. Last evaluated: 2025-05-01. Review status: criteria provided, single submitter. Criteria: CeGaT Center For Human Genetics Tuebingen Variant Classification Criteria Version 2. Collection method: clinical testing. Allele origin: germline. Affected: yes. Observed: 1 variant allele.
Comment: MARS2: BP4, BP7

NM_138395.4(MARS2):c.36C>T (p.Arg12=)

Gene: MARS2 (methionyl-tRNA synthetase 2, mitochondrial; plus strand). Cytogenetic location: 2q33.1.
Variant type: single nucleotide variant.
Coding change: c.36C>T on transcript NM_138395.4 (MANE Select); coding-DNA position 36, C replaced by T.
Protein change: p.Arg12=; no amino-acid change (arginine 12 retained).
Molecular consequence: synonymous variant.
Genome position (GRCh38, 1-based): chr2:197,705,441, C>T. VCF-style: chr2-197705441-C-T. GRCh37 (hg19) VCF-style: chr2-198570165-C-T.
Identifiers: ClinVar variation 3898474 (VCV003898474.7).